The following is an entry in ClinVar:

NM_024753.5(TTC21B):c.3190A>T (p.Ile1064Leu)

Gene: TTC21B (tetratricopeptide repeat domain 21B; minus strand). Cytogenetic location: 2q24.3.
Variant type: single nucleotide variant.
Coding change: c.3190A>T on transcript NM_024753.5 (MANE Select); coding-DNA position 3190, A replaced by T.
Protein change: p.Ile1064Leu; replaces isoleucine 1064 with leucine.
Molecular consequence: missense variant.
Genome position (GRCh38, 1-based): chr2:165,890,552, T>A on the plus strand (A>T on the coding strand, the complement: TTC21B is on the minus strand). VCF-style: chr2-165890552-T-A. GRCh37 (hg19) VCF-style: chr2-166747062-T-A.
Other names: short protein forms I1064L.
Identifiers: ClinVar variation 1427192 (VCV001427192.5), dbSNP rs1004469692, ClinGen allele CA59773873.

ClinVar aggregate classification (germline): Uncertain significance. Review status: criteria provided, multiple submitters, no conflicts (2 of 4 stars). 2 submissions from 2 submitters: Uncertain significance (2). Last evaluated 2024-04-10.

Conditions:
Nephronophthisis. Also called: Juvenile Nephronophthisis. Identifiers: Orphanet 655, MedGen C0687120, MONDO:0019005, HP:0000090.
Jeune thoracic dystrophy. Also called: Jeune syndrome; Infantile thoracic dystrophy; Thoracic pelvic phalangeal dystrophy; Jeune's syndrome; Chondroectodermal dysplasia-like syndrome; Short-rib thoracic dysplasia. Identifiers: Orphanet 474, MedGen C0265275, MONDO:0018770.
Nephronophthisis 12 (NPHP12). Identifiers: Orphanet 655, MedGen C3151186, MONDO:0013442, OMIM 613820.
Asphyxiating thoracic dystrophy 4 (SRTD4). Also called: SHORT-RIB THORACIC DYSPLASIA 4; SHORT-RIB THORACIC DYSPLASIA 4 WITH OR WITHOUT POLYDACTYLY. Identifiers: Orphanet 474, MedGen C3151185, MONDO:0013441, OMIM 613819.

Allele frequency attached by ClinVar (database versions not stated): gnomAD 0.00001; TOPMed 0.00003.
gnomAD v4.1: 6 of 1,613,594 alleles (0.00037%); highest among the groups gnomAD compares: Admixed American, 0.0017%; no homozygotes.

Submissions (2):

Fulgent Genetics
Classification: Uncertain significance for Asphyxiating thoracic dystrophy 4; Nephronophthisis 12. Last evaluated: 2024-04-10. Review status: criteria provided, single submitter. Criteria: ACMG Guidelines, 2015. Collection method: clinical testing. Allele origin: germline.

Labcorp Genetics (formerly Invitae), Labcorp
Classification: Uncertain significance for Jeune thoracic dystrophy; Nephronophthisis. Last evaluated: 2022-07-30. Review status: criteria provided, single submitter. Criteria: Invitae Variant Classification Sherloc (09022015). Collection method: clinical testing. Allele origin: germline.
Comment: This sequence change replaces isoleucine, which is neutral and non-polar, with leucine, which is neutral and non-polar, at codon 1064 of the TTC21B protein (p.Ile1064Leu). This variant is not present in population databases (gnomAD no frequency). This variant has not been reported in the literature in individuals affected with TTC21B-related conditions. ClinVar contains an entry for this variant (Variation ID: 1427192). Algorithms developed to predict the effect of missense changes on protein structure and function are either unavailable or do not agree on the potential impact of this missense change (SIFT: "Deleterious"; PolyPhen-2: "Benign"; Align-GVGD: "Class C0"). In summary, the available evidence is currently insufficient to determine the role of this variant in disease. Therefore, it has been classified as a Variant of Uncertain Significance.